The following is an entry in ClinVar:

NM_001698.3(AUH):c.1003C>T (p.Arg335Cys)

Gene: AUH (AU RNA binding methylglutaconyl-CoA hydratase; minus strand). Cytogenetic location: 9q22.31.
Variant type: single nucleotide variant.
Coding change: c.1003C>T on transcript NM_001698.3 (MANE Select); coding-DNA position 1003, C replaced by T.
Protein change: p.Arg335Cys; replaces arginine 335 with cysteine.
Molecular consequence: missense variant.
Genome position (GRCh38, 1-based): chr9:91,214,365, G>A on the plus strand (C>T on the coding strand, the complement: AUH is on the minus strand). VCF-style: chr9-91214365-G-A. GRCh37 (hg19) VCF-style: chr9-93976647-G-A.
Other names: c.628C>T, p.Arg210Cys (NM_001351433.2); c.1003C>T (NM_001698.2); c.916C>T, p.Arg306Cys (NM_001306190.2); c.676C>T, p.Arg226Cys (NM_001351431.2, NM_001351432.2); short protein forms R210C, R226C, R335C, R306C.
Identifiers: ClinVar variation 1358466 (VCV001358466.9), dbSNP rs772918339, ClinGen allele CA5119654.

ClinVar aggregate classification (germline): Uncertain significance. Review status: criteria provided, multiple submitters, no conflicts (2 of 4 stars). 2 submissions from 2 submitters: Uncertain significance (2). Last evaluated 2021-09-27.

Conditions:
3-methylglutaconic aciduria type 1 (MGCA1). Identifiers: Orphanet 67046, MedGen C0342727, MONDO:0009610, OMIM 250950.
Inborn genetic diseases. Identifiers: MedGen C0950123, MeSH D030342.

Allele frequency attached by ClinVar (database versions not stated): ExAC 0.00001; gnomAD 0.00001; gnomAD exomes 0.00001; TOPMed 0.00001.
gnomAD v4.1: 28 of 1,609,650 alleles (0.0017%); highest among the groups gnomAD compares: East Asian, 0.0022%; no homozygotes.

Submissions (2):

Ambry Genetics
Classification: Uncertain significance for Inborn genetic diseases. Last evaluated: 2021-09-27. Review status: criteria provided, single submitter. Criteria: Ambry Variant Classification Scheme 2023. Collection method: clinical testing. Allele origin: germline.

Labcorp Genetics (formerly Invitae), Labcorp
Classification: Uncertain significance for 3-methylglutaconic aciduria type 1. Last evaluated: 2021-04-02. Review status: criteria provided, single submitter. Criteria: Invitae Variant Classification Sherloc (09022015). Collection method: clinical testing. Allele origin: germline.
Comment: Algorithms developed to predict the effect of missense changes on protein structure and function (SIFT, PolyPhen-2, Align-GVGD) all suggest that this variant is likely to be tolerated, but these predictions have not been confirmed by published functional studies and their clinical significance is uncertain. In summary, the available evidence is currently insufficient to determine the role of this variant in disease. Therefore, it has been classified as a Variant of Uncertain Significance. This variant has not been reported in the literature in individuals with AUH-related conditions. This variant is present in population databases (rs772918339, ExAC 0.002%). This sequence change replaces arginine with cysteine at codon 335 of the AUH protein (p.Arg335Cys). The arginine residue is moderately conserved and there is a large physicochemical difference between arginine and cysteine.